The following is an entry in ClinVar:

NM_000038.6(APC):c.5145del (p.Asp1715fs)

Gene: APC (APC regulator of Wnt signaling pathway; plus strand). Cytogenetic location: 5q22.2.
Variant type: Deletion.
Coding change: c.5145del on transcript NM_000038.6 (MANE Select); coding-DNA position 5145, one base deleted (C; older notation c.5145delC).
Protein change: p.Asp1715fs; shifts the reading frame from aspartic acid 1715.
Molecular consequence: frameshift variant.
Genome position (GRCh38, 1-based): chr5:112,840,739, C deleted. VCF-style (leftmost placement, unchanged base first): chr5-112840738-AC-A. GRCh37 (hg19) VCF-style: chr5-112176435-AC-A.
Other names: c.5145del, p.Asp1715fs (NM_001127510.3, NM_001354895.2); c.5091del, p.Asp1697fs (NM_001127511.3); c.5199del, p.Asp1733fs (NM_001354896.2); c.5175del, p.Asp1725fs (NM_001354897.2); c.5070del, p.Asp1690fs (NM_001354898.2); c.5061del, p.Asp1687fs (NM_001354899.2); c.5022del, p.Asp1674fs (NM_001354900.2); c.4968del, p.Asp1656fs (NM_001354901.2); and 5 more; short protein forms D1589fs, D1624fs, D1656fs, D1715fs, D1432fs, D1555fs, D1687fs, D1690fs.
Identifiers: ClinVar variation 217992 (VCV000217992.23), dbSNP rs863225363, ClinGen allele CA279714.
Genomic context (GRCh38, chr5:112,840,738, plus strand): 5'-GAAGTACAGATGAGGCTCAAGGAGGAAAAACCTCATCTGTAACCATACCTGAATTGGATG[AC>A]AATAAAGCAGAGGAAGGTGATATTCTTGCAGAATGCATTAATTCTGCTATGCCCAAAGGG-3'

ClinVar aggregate classification (germline): Pathogenic. Review status: criteria provided, multiple submitters, no conflicts (2 of 4 stars). 6 submissions from 6 submitters: Pathogenic (5). 1 of the submissions does not count toward it. Last evaluated 2025-12-08.

Conditions:
Hereditary cancer-predisposing syndrome. Also called: Hereditary Cancer Syndrome; Hereditary neoplastic syndrome; Neoplastic Syndromes, Hereditary; Tumor predisposition. Identifiers: Orphanet 140162, MedGen C0027672, MeSH D009386, MONDO:0015356.
Familial adenomatous polyposis 1 (FAP1). Also called: FAMILIAL ADENOMATOUS POLYPOSIS 1, ATTENUATED; POLYPOSIS, ADENOMATOUS INTESTINAL. Identifiers: MedGen C2713442, MONDO:0021056, OMIM 175100. Disease mechanism: loss of function.

Submissions (6):

Labcorp Genetics (formerly Invitae), Labcorp
Classification: Pathogenic for Familial adenomatous polyposis 1. Last evaluated: 2025-12-08. Review status: criteria provided, single submitter. Criteria: Invitae Variant Classification Sherloc (09022015). Collection method: clinical testing. Allele origin: germline.
Comment: This sequence change creates a premature translational stop signal (p.Asp1715Glufs*29) in the APC gene. While this is not anticipated to result in nonsense mediated decay, it is expected to disrupt the last 1129 amino acid(s) of the APC protein. This variant is not present in population databases (gnomAD no frequency). This premature translational stop signal has been observed in individual(s) with familial adenomatous polyposis (PMID: 23159591). ClinVar contains an entry for this variant (Variation ID: 217992). This variant is expected to disrupt the EB1 and HDLG binding sites, which mediate interactions with the cytoskeleton (PMID: 15311282, 17293347). While functional studies have not been performed to directly test the effect on APC protein function, this suggests that disruption of the C-terminal portion of the protein is functionally important. A different truncation (p.Tyr2645Lysfs*14) that lies downstream of this variant has been determined to be pathogenic (PMID: 9824584, 1316610, 27081525, 8381579, 22135120, internal data). This suggests that deletion of this region of the APC protein is causative of disease. For these reasons, this variant has been classified as Pathogenic.

Color Diagnostics, LLC DBA Color Health
Classification: Pathogenic for Hereditary cancer-predisposing syndrome. Last evaluated: 2025-05-27. Review status: criteria provided, single submitter. Criteria: ACMG Guidelines, 2015. Collection method: clinical testing. Allele origin: germline.
Comment: This variant deletes 1 nucleotide in exon 16 of the APC gene, creating a frameshift and premature translation stop signal. This variant is expected to result in an absent or non-functional protein product. This variant has been reported in an individual affected with familial adenomatous polyposis in the literature (PMID: 23159591). This variant has not been identified in the general population by the Genome Aggregation Database (gnomAD). Loss of APC function is a known mechanism of disease. Based on the available evidence, this variant is classified as Pathogenic.

Ambry Genetics
Classification: Pathogenic for Hereditary cancer-predisposing syndrome. Last evaluated: 2024-07-29. Review status: criteria provided, single submitter. Criteria: Ambry Variant Classification Scheme 2023. Collection method: clinical testing. Allele origin: germline.
Comment: The c.5145delC pathogenic mutation, located in coding exon 15 of the APC gene, results from a deletion of one nucleotide at nucleotide position 5145, causing a translational frameshift with a predicted alternate stop codon (p.D1715Efs*29). This alteration occurs at the 3' terminus of theAPC gene, is not expected to trigger nonsense-mediated mRNA decay, and impacts the last 39.7% of the protein. However, premature stop codons are typically deleterious in nature and a significant portion of the protein is affected (Ambry internal data). This variant has been observed in at least one individual with a personal and/or family history that is consistent with APC-associated disease (Ambry internal data). This variant is considered to be rare based on population cohorts in the Genome Aggregation Database (gnomAD). Based on the supporting evidence, this variant is interpreted as a disease-causing mutation.

Myriad Genetics, Inc.
Classification: Pathogenic for Familial adenomatous polyposis 1. Last evaluated: 2023-05-12. Review status: criteria provided, single submitter. Criteria: Myriad Autosomal Dominant, Autosomal Recessive and X-Linked Classification Criteria (2023). Collection method: clinical testing. Allele origin: unknown.
Comment: This variant is considered pathogenic. This variant creates a frameshift predicted to result in premature protein truncation.

GeneDx
Classification: Pathogenic. Last evaluated: 2017-07-05. Review status: criteria provided, single submitter. Criteria: GeneDx Variant Classification (06012015). Collection method: clinical testing. Allele origin: germline. Affected: yes.
Comment: This deletion of one nucleotide in APC is denoted c.5145delC at the cDNA level and p.Asp1715GlufsX29 (D1715EfsX29) at the protein level. The normal sequence, with the base that is deleted in brackets, is ATGA[delC]AATA. The deletion causes a frameshift which changes an Aspartic Acid to a Glutamic Acid at codon 1715, and creates a premature stop codon at position 29 of the new reading frame. This variant is predicted to cause loss of normal protein function through protein truncation. The disrupted region at the end of the gene includes the 20-aa repeat beta-catenin down-regulating domain, the SAMP repeats/axin binding domain, the basic domain, the EB1 binding domain, and the hDLG binding domain (Azzopardi 2008). APC Asp1715GlufsX29 has been reported in at least two individuals undergoing APC genetic testing in a clinical laboratory (Kerr 2013). We consider this variant to be pathogenic.

Mayo Clinic Laboratories, Mayo Clinic
Classification: Likely pathogenic. Review status: no assertion criteria provided. Collection method: clinical testing. Allele origin: unknown. Not counted in ClinVar's aggregate classification.

Literature cited by the submitters: PubMed 23159591 (cited by Labcorp Genetics (formerly Invitae), Labcorp and Color Diagnostics, LLC DBA Color Health); PubMed 15311282 (cited by Labcorp Genetics (formerly Invitae), Labcorp); PubMed 17293347 (cited by Labcorp Genetics (formerly Invitae), Labcorp); PubMed 9824584 (cited by Labcorp Genetics (formerly Invitae), Labcorp); PubMed 1316610 (cited by Labcorp Genetics (formerly Invitae), Labcorp); PubMed 27081525 (cited by Labcorp Genetics (formerly Invitae), Labcorp); PubMed 8381579 (cited by Labcorp Genetics (formerly Invitae), Labcorp); PubMed 22135120 (cited by Labcorp Genetics (formerly Invitae), Labcorp).